The following is an entry in ClinVar:

ClinVar aggregate classification (germline): Uncertain significance (1 of 4 stars; one submission).

Allele frequency attached by ClinVar (database versions not stated): TOPMed below 0.00001; gnomAD 0.00001.
gnomAD v4.1: 1 of 1,613,876 alleles (0.000062%); highest among the groups gnomAD compares: East Asian, 0.0022%; no homozygotes.

Submission:

Ambry Genetics
Classification: Uncertain significance. Last evaluated: 2023-10-06. Review status: criteria provided, single submitter. Criteria: Ambry Variant Classification Scheme 2023. Collection method: clinical testing. Allele origin: germline.
Comment: The p.E308A variant (also known as c.923A>C), located in coding exon 6 of the BUB3 gene, results from an A to C substitution at nucleotide position 923. The glutamic acid at codon 308 is replaced by alanine, an amino acid with dissimilar properties. This amino acid position is conserved. In addition, this alteration is predicted to be tolerated by in silico analysis. Since supporting evidence is limited at this time, the clinical significance of this alteration remains unclear.

NM_004725.4(BUB3):c.923A>C (p.Glu308Ala)

Gene: BUB3 (BUB3 mitotic checkpoint protein; plus strand). Cytogenetic location: 10q26.13.
Variant type: single nucleotide variant.
Coding change: c.923A>C on transcript NM_004725.4 (MANE Select); coding-DNA position 923, A replaced by C.
Protein change: p.Glu308Ala; replaces glutamic acid 308 with alanine.
Molecular consequence: missense variant.
Genome position (GRCh38, 1-based): chr10:123,162,780, A>C. VCF-style: chr10-123162780-A-C. GRCh37 (hg19) VCF-style: chr10-124922296-A-C.
Other names: c.923A>C, p.Glu308Ala (NM_001007793.3); short protein forms E308A.
Identifiers: ClinVar variation 3224529 (VCV003224529.1), dbSNP rs1456188197, ClinGen allele CA378627214.